The following is an entry in ClinVar:

ClinVar aggregate classification (germline): Pathogenic (1 of 4 stars; one submission).

Conditions:
Neurofibromatosis, type 1 (NF1). Also called: Neurofibromatosis, type I; VON RECKLINGHAUSEN DISEASE; NEUROFIBROMATOSIS, TYPE I, SOMATIC; Peripheral type neurofibromatosis. Identifiers: Orphanet 636, MedGen C0027831, MONDO:0018975, OMIM 162200. Disease mechanism: loss of function.

Submission:

Victorian Clinical Genetics Services, Murdoch Childrens Research Institute
Classification: Pathogenic for Neurofibromatosis, type 1. Last evaluated: 2024-09-19. Review status: criteria provided, single submitter. Criteria: ACMG Guidelines, 2015. Collection method: clinical testing. Allele origin: germline. Inheritance: Autosomal dominant inheritance. Affected: yes.
Comment: Based on the classification scheme VCGS_Germline_v1.3.4, this variant is classified as Pathogenic. Following criteria are met: 0102 - Loss of function is a known mechanism of disease in this gene and is associated with neurofibromatosis type 1 (MIM#162200). (I) 0107 - This gene is associated with autosomal dominant disease. (I) 0115 - Variants in this gene are known to have variable expressivity (PMID: 20301288). (I) 0201 - Variant is predicted to cause nonsense-mediated decay (NMD) and loss of protein (premature termination codon is located at least 54 nucleotides upstream of the final exon-exon junction). (SP) 0219 - This variant is non-coding in one shorter transcript (NM_00128147.3); however, it is coding in two transcripts including the MANE select transcript. (I) 0251 - This variant is heterozygous. (I) 0301 - Variant is absent from gnomAD (both v2 and v3). (SP) 0701 - Other NMD-predicted variants comparable to the one identified in this case have very strong previous evidence for pathogenicity (DECIPHER). (SP) 0807 - This variant has no previous evidence of pathogenicity. (I) 0905 - No published segregation evidence has been identified for this variant. (I) 1007 - No published functional evidence has been identified for this variant. (I) 1208 - Inheritance information for this variant is not currently available in this individual. (I) Legend: (SP) - Supporting pathogenic, (I) - Information, (SB) - Supporting benign

Literature cited by the submitters: PubMed 20301288.

NM_001042492.3(NF1):c.4750_4751del (p.Phe1584fs)

Gene: NF1 (neurofibromin 1; plus strand). Cytogenetic location: 17q11.2.
Variant type: Deletion.
Coding change: c.4750_4751del on transcript NM_001042492.3 (MANE Select); coding-DNA positions 4750 to 4751, 2 bases deleted (TT; older notation c.4750_4751delTT).
Protein change: p.Phe1584fs; shifts the reading frame from phenylalanine 1584.
Molecular consequence: frameshift variant.
Genome position (GRCh38, 1-based): chr17:31,265,254-31,265,255, TT deleted. VCF-style (leftmost placement, unchanged base first): chr17-31265253-ATT-A. GRCh37 (hg19) VCF-style: chr17-29592271-ATT-A.
Other names: c.4687_4688delTT, p.Phe1563Glnfs (NM_000267.4); short protein forms F1563fs, F1584fs.
Identifiers: ClinVar variation 3377256 (VCV003377256.1).